The following is an entry in ClinVar:

ClinVar aggregate classification (germline): Uncertain significance. Review status: criteria provided, multiple submitters, no conflicts (2 of 4 stars). 3 submissions from 3 submitters: Uncertain significance (2). 1 of the submissions does not count toward it. Last evaluated 2021-12-25.

Conditions:
Lysinuric protein intolerance (LPI). Identifiers: Orphanet 470, MedGen C0268647, MONDO:0009109, OMIM 222700.

Allele frequency attached by ClinVar (database versions not stated): gnomAD exomes below 0.00001 and 0.00001; ExAC 0.00002; TOPMed 0.00003; gnomAD 0.00004 and 0.00005; ESP Exome Variant Server 0.00008; 1000 Genomes Project 30x 0.00016; 1000 Genomes Project 0.00020.
gnomAD v4.1: 9 of 1,614,190 alleles (0.00056%); highest among the groups gnomAD compares: African/African-American, 0.011%; no homozygotes.

Submissions (3):

Fulgent Genetics
Classification: Uncertain significance for Lysinuric protein intolerance. Last evaluated: 2021-12-25. Review status: criteria provided, single submitter. Criteria: ACMG Guidelines, 2015. Collection method: clinical testing. Allele origin: unknown.

Labcorp Genetics (formerly Invitae), Labcorp
Classification: Uncertain significance for Lysinuric protein intolerance. Last evaluated: 2021-09-01. Review status: criteria provided, single submitter. Criteria: Invitae Variant Classification Sherloc (09022015). Collection method: clinical testing. Allele origin: germline.
Comment: This sequence change replaces alanine with valine at codon 450 of the SLC7A7 protein (p.Ala450Val). The alanine residue is moderately conserved and there is a small physicochemical difference between alanine and valine. This variant is present in population databases (rs141632828, ExAC 0.02%). This variant has not been reported in the literature in individuals affected with SLC7A7-related conditions. Algorithms developed to predict the effect of missense changes on protein structure and function (SIFT, PolyPhen-2, Align-GVGD) all suggest that this variant is likely to be tolerated. In summary, the available evidence is currently insufficient to determine the role of this variant in disease. Therefore, it has been classified as a Variant of Uncertain Significance.

Natera, Inc.
Classification: Uncertain significance for Lysinuric protein intolerance. Last evaluated: 2021-04-04. Review status: no assertion criteria provided. Collection method: clinical testing. Allele origin: germline. Not counted in ClinVar's aggregate classification.

NM_003982.4(SLC7A7):c.1349C>T (p.Ala450Val)

Gene: SLC7A7 (solute carrier family 7 member 7; minus strand). Cytogenetic location: 14q11.2.
Variant type: single nucleotide variant.
Coding change: c.1349C>T on transcript NM_003982.4 (MANE Select); coding-DNA position 1349, C replaced by T.
Protein change: p.Ala450Val; replaces alanine 450 with valine.
Molecular consequence: missense variant.
Genome position (GRCh38, 1-based): chr14:22,774,013, G>A on the plus strand (C>T on the coding strand, the complement: SLC7A7 is on the minus strand). VCF-style: chr14-22774013-G-A. GRCh37 (hg19) VCF-style: chr14-23243222-G-A.
Other names: c.1349C>T, p.Ala450Val (NM_001126105.3, NM_001126106.4); short protein forms A450V.
Identifiers: ClinVar variation 841358 (VCV000841358.12), dbSNP rs141632828, ClinGen allele CA7104413.
Genomic context (GRCh38, chr14:22,774,013, plus strand): 5'-AGCGGTCGCTTATGTTCTGGCACTCTGATGATGAGGAAGTAAAAGGGCAGGCCTGAGAGG[G>A]CAATGGCAATGCCGATGAGGGAGTTGATAGTATCACTGTAAAGTGGAACAGCCACCAGGA-3'
Protein context (NP_003973.3, residues 440-460): TINSLIGIAI[Ala450Val]LSGLPFYFLI